The following is an entry in ClinVar:

NM_000243.3(MEFV):c.539C>T (p.Pro180Leu)

Gene: MEFV (MEFV innate immunity regulator, pyrin; minus strand). Cytogenetic location: 16p13.3.
Variant type: single nucleotide variant.
Coding change: c.539C>T on transcript NM_000243.3 (MANE Select); coding-DNA position 539, C replaced by T.
Protein change: p.Pro180Leu; replaces proline 180 with leucine.
Molecular consequence: missense variant. On other transcripts: intron variant (1).
Genome position (GRCh38, 1-based): chr16:3,254,529, G>A on the plus strand (C>T on the coding strand, the complement: MEFV is on the minus strand). VCF-style: chr16-3254529-G-A. GRCh37 (hg19) VCF-style: chr16-3304529-G-A.
Other names: c.277+1782C>T (NM_001198536.2); short protein forms P180L.
Identifiers: ClinVar variation 527803 (VCV000527803.5), dbSNP rs104895134, ClinGen allele CA276902697.

ClinVar aggregate classification (germline): Conflicting classifications of pathogenicity. Review status: criteria provided, conflicting classifications (1 of 4 stars). 6 submissions from 4 submitters: Uncertain significance (2); Benign (2); Likely benign (1). 1 of the submissions does not count toward it. Last evaluated 2023-02-08.

Conditions:
Acute febrile neutrophilic dermatosis (AFND). Also called: Sweet Syndrome; Gomm Button disease. Identifiers: Orphanet 3243, MedGen C0085077, MONDO:0011959, OMIM 608068.
Familial Mediterranean fever (FMF). Also called: POLYSEROSITIS, FAMILIAL PAROXYSMAL; POLYSEROSITIS, RECURRENT; Periodic peritonitis; Benign paroxysmal peritonitis. Identifiers: Orphanet 342, MedGen C0031069, MONDO:0018088, OMIM 249100. Disease mechanism: gain of function.
Familial Mediterranean fever, autosomal dominant. Also called: FMF, AUTOSOMAL DOMINANT; Dominant Familial Mediterranean Fever. Identifiers: Orphanet 342, MedGen C1851347, MONDO:0007601, OMIM 134610.

Allele frequency attached by ClinVar (database versions not stated): gnomAD 0.00003; TOPMed 0.00002.
gnomAD v4.1: 23 of 1,555,072 alleles (0.0015%); highest among the groups gnomAD compares: Non-Finnish European, 0.0019%; no homozygotes.

Submissions (6):

Genome-Nilou Lab
Classification: Likely benign for Familial Mediterranean fever. Last evaluated: 2023-02-08. Review status: criteria provided, single submitter. Criteria: ACMG Guidelines, 2015. Collection method: clinical testing. Allele origin: germline.

Genome-Nilou Lab
Classification: Benign for Familial Mediterranean fever, autosomal dominant. Last evaluated: 2023-02-08. Review status: criteria provided, single submitter. Criteria: ACMG Guidelines, 2015. Collection method: clinical testing. Allele origin: germline.

Genome-Nilou Lab
Classification: Benign for Acute febrile neutrophilic dermatosis. Last evaluated: 2023-02-08. Review status: criteria provided, single submitter. Criteria: ACMG Guidelines, 2015. Collection method: clinical testing. Allele origin: germline.

Women's Health and Genetics/Laboratory Corporation of America, LabCorp
Classification: Uncertain significance. Last evaluated: 2022-11-13. Review status: criteria provided, single submitter. Criteria: LabCorp Variant Classification Summary - May 2015. Collection method: clinical testing. Allele origin: germline.

Labcorp Genetics (formerly Invitae), Labcorp
Classification: Uncertain significance for Familial Mediterranean fever. Last evaluated: 2021-08-28. Review status: criteria provided, single submitter. Criteria: Invitae Variant Classification Sherloc (09022015). Collection method: clinical testing. Allele origin: germline.
Comment: This sequence change replaces proline with leucine at codon 180 of the MEFV protein (p.Pro180Leu). The proline residue is weakly conserved and there is a moderate physicochemical difference between proline and leucine. The frequency data for this variant in the population databases is considered unreliable, as metrics indicate insufficient coverage at this position in the ExAC database. This variant has not been reported in the literature in individuals affected with MEFV-related conditions. ClinVar contains an entry for this variant (Variation ID: 527803). Algorithms developed to predict the effect of missense changes on protein structure and function output the following: SIFT: "Tolerated"; PolyPhen-2: "Benign"; Align-GVGD: "Class C0". The leucine amino acid residue is found in multiple mammalian species, which suggests that this missense change does not adversely affect protein function. In summary, the available evidence is currently insufficient to determine the role of this variant in disease. Therefore, it has been classified as a Variant of Uncertain Significance.

Natera, Inc.
Classification: Uncertain significance for Familial Mediterranean fever. Last evaluated: 2020-09-16. Review status: no assertion criteria provided. Collection method: clinical testing. Allele origin: germline. Not counted in ClinVar's aggregate classification.